The following is an entry in ClinVar:

ClinVar aggregate classification (germline): Conflicting classifications of pathogenicity. Review status: criteria provided, conflicting classifications (1 of 4 stars). 5 submissions from 4 submitters: Uncertain significance (1); Benign (2); Likely benign (1). 1 of the submissions does not count toward it. Last evaluated 2024-03-22.

Conditions:
Diffuse nonepidermolytic palmoplantar keratoderma (NEPPK). Also called: Nonepidermolytic palmoplantar keratoderma; Nonepidermolytic palmoplantar hyperkeratosis. Identifiers: Orphanet 530838, MedGen C1833030, MONDO:0010962, OMIM 600962, HP:0007404.
Epidermolytic ichthyosis. Also called: Epidermolytic Hyperkeratosis; Congenital bullous ichthyosiform erythroderma; KRT10-Related Epidermolytic Hyperkeratosis; Bullous ichthyosiform erythroderma. Identifiers: Orphanet 312, MedGen C0079153, MONDO:0007239, HP:0007475.
KRT1-related disorder. Also called: KRT1-related condition.

Allele frequency attached by ClinVar (database versions not stated): 1000 Genomes Project 30x 0.00031; 1000 Genomes Project 0.00040; ExAC 0.00118; gnomAD exomes 0.00119 and 0.00183; TOPMed 0.00119; gnomAD 0.00126 and 0.00132; ESP Exome Variant Server 0.00138.
gnomAD v4.1: 2,881 of 1,614,172 alleles (0.18%); highest among the groups gnomAD compares: Non-Finnish European, 0.21%; 11 homozygotes.

Submissions (5):

Labcorp Genetics (formerly Invitae), Labcorp
Classification: Likely benign. Last evaluated: 2024-03-22. Review status: criteria provided, single submitter. Criteria: Invitae Variant Classification Sherloc (09022015). Collection method: clinical testing. Allele origin: germline.

CeGaT Center for Human Genetics Tuebingen
Classification: Uncertain significance. Last evaluated: 2018-05-01. Review status: criteria provided, single submitter. Criteria: CeGaT Center For Human Genetics Tuebingen Variant Classification Criteria Version 2. Collection method: clinical testing. Allele origin: germline. Affected: yes. Observed: 1 variant allele.

Illumina Laboratory Services, Illumina
Classification: Benign for Diffuse nonepidermolytic palmoplantar keratoderma. Last evaluated: 2018-01-13. Review status: criteria provided, single submitter. Criteria: ICSL Variant Classification Criteria 13 December 2019. Collection method: clinical testing. Allele origin: germline.
Comment: This variant was observed in the ICSL laboratory as part of a predisposition screen in an ostensibly healthy population. It had not been previously curated by ICSL or reported in the Human Gene Mutation Database (HGMD: prior to June 1st, 2018), and was therefore a candidate for classification through an automated scoring system. Utilizing variant allele frequency, disease prevalence and penetrance estimates, and inheritance mode, an automated score was calculated to assess if this variant is too frequent to cause the disease. Based on the score and internal cut-off values, a variant classified as benign is not then subjected to further curation. The score for this variant resulted in a classification of benign for this disease.

Illumina Laboratory Services, Illumina
Classification: Benign for Epidermolytic hyperkeratosis 1. Last evaluated: 2018-01-13. Review status: criteria provided, single submitter. Criteria: ICSL Variant Classification Criteria 13 December 2019. Collection method: clinical testing. Allele origin: germline.
Comment: the same text as in the submission from Illumina Laboratory Services, Illumina above.

PreventionGenetics, part of Exact Sciences
Classification: Likely benign for KRT1-related condition. Last evaluated: 2022-02-12. Review status: no assertion criteria provided. Collection method: clinical testing. Allele origin: germline. Not counted in ClinVar's aggregate classification.
Comment: This variant is classified as likely benign based on ACMG/AMP sequence variant interpretation guidelines (Richards et al. 2015 PMID: 25741868, with internal and published modifications).

NM_006121.4(KRT1):c.982A>T (p.Thr328Ser)

Gene: KRT1 (keratin 1; minus strand). Cytogenetic location: 12q13.13.
Variant type: single nucleotide variant.
Coding change: c.982A>T on transcript NM_006121.4 (MANE Select); coding-DNA position 982, A replaced by T.
Protein change: p.Thr328Ser; replaces threonine 328 with serine.
Molecular consequence: missense variant.
Genome position (GRCh38, 1-based): chr12:52,677,462, T>A on the plus strand (A>T on the coding strand, the complement: KRT1 is on the minus strand). VCF-style: chr12-52677462-T-A. GRCh37 (hg19) VCF-style: chr12-53071246-T-A.
Other names: short protein forms T328S.
Identifiers: ClinVar variation 309648 (VCV000309648.56), dbSNP rs139428176, ClinGen allele CA6586282.